The following is an entry in ClinVar:

ClinVar aggregate classification (germline): Pathogenic (1 of 4 stars; one submission).

Conditions:
Primary familial hypertrophic cardiomyopathy (HCM). Identifiers: Orphanet 99739, MedGen C0949658, MeSH D024741, MONDO:0024573. Inheritance: Various modes of inheritance.
Hypertrophic cardiomyopathy 25 (CMH25). Also called: CARDIOMYOPATHY, FAMILIAL HYPERTROPHIC, 25. Identifiers: MedGen C4225408, MONDO:0011843, OMIM 607487.

Submission:

Labcorp Genetics (formerly Invitae), Labcorp
Classification: Pathogenic for Hypertrophic cardiomyopathy 25; Primary familial hypertrophic cardiomyopathy. Last evaluated: 2025-01-06. Review status: criteria provided, single submitter. Criteria: Invitae Variant Classification Sherloc (09022015). Collection method: clinical testing. Allele origin: germline.
Comment: This sequence change falls in intron 1 of the TCAP gene. It does not directly change the encoded amino acid sequence of the TCAP protein. It affects a nucleotide within the consensus splice site. This variant is not present in population databases (gnomAD no frequency). This variant has been observed in individual(s) with autosomal recessive limb-girdle muscular dystrophy (PMID: 32005491, 32761539). In at least one individual the data is consistent with being in trans (on the opposite chromosome) from a pathogenic variant. It has also been observed to segregate with disease in related individuals. ClinVar contains an entry for this variant (Variation ID: 1055526). Studies have shown that this variant alters TCAP gene expression (PMID: 32005491). Variants that disrupt the consensus splice site are a relatively common cause of aberrant splicing (PMID: 17576681, 9536098). Algorithms developed to predict the effect of sequence changes on RNA splicing suggest that this variant may disrupt the consensus splice site. For these reasons, this variant has been classified as Pathogenic.

Literature cited by the submitters: PubMed 32005491; PubMed 32761539; PubMed 17576681; PubMed 9536098.

NM_003673.4(TCAP):c.110+5G>A

Gene: TCAP (titin-cap; plus strand). Cytogenetic location: 17q12.
Variant type: single nucleotide variant.
Coding change: c.110+5G>A on transcript NM_003673.4 (MANE Select); 5 bases into the intron after coding-DNA position 110, G replaced by A.
Molecular consequence: intron variant.
Genome position (GRCh38, 1-based): chr17:39,665,474, G>A. VCF-style: chr17-39665474-G-A. GRCh37 (hg19) VCF-style: chr17-37821727-G-A.
Identifiers: ClinVar variation 1055526 (VCV001055526.7), dbSNP rs794729178, ClinGen allele CA290433771.
Genomic context (GRCh38, chr17:39,665,474, plus strand): 5'-GAGGCCTTCTGGGCAGAATGGAAGGATCTGACACTGTCCACACGGCCCGAGGAGGGGTGA[G>A]TGTGGGTCTGCTAGAGCCCTGCCTCTGCTCCCCCAGAGCACCCTCACTGAGCCATGAGGC-3'